The following is an entry in ClinVar:

ClinVar aggregate classification (germline): Uncertain significance. Review status: criteria provided, multiple submitters, no conflicts (2 of 4 stars). 2 submissions from 2 submitters: Uncertain significance (2). Last evaluated 2025-08-07.

Allele frequency attached by ClinVar (database versions not stated): gnomAD exomes below 0.00001 and 0.00001; ExAC 0.00001.
gnomAD v4.1: 2 of 1,614,090 alleles (0.00012%); highest among the groups gnomAD compares: Admixed American, 0.0017%; no homozygotes.

Submissions (2):

Labcorp Genetics (formerly Invitae), Labcorp
Classification: Uncertain significance. Last evaluated: 2025-08-07. Review status: criteria provided, single submitter. Criteria: Invitae Variant Classification Sherloc (09022015). Collection method: clinical testing. Allele origin: germline.
Comment: This sequence change replaces glutamine, which is neutral and polar, with glutamic acid, which is acidic and polar, at codon 151 of the RINT1 protein (p.Gln151Glu). This variant is present in population databases (rs754311490, gnomAD 0.006%). This variant has not been reported in the literature in individuals affected with RINT1-related conditions. ClinVar contains an entry for this variant (Variation ID: 1445117). An algorithm developed to predict the effect of missense changes on protein structure and function (PolyPhen-2) suggests that this variant is likely to be tolerated. In summary, the available evidence is currently insufficient to determine the role of this variant in disease. Therefore, it has been classified as a Variant of Uncertain Significance.

Ambry Genetics
Classification: Uncertain significance. Last evaluated: 2024-09-26. Review status: criteria provided, single submitter. Criteria: Ambry Variant Classification Scheme 2023. Collection method: clinical testing. Allele origin: germline.
Comment: The p.Q151E variant (also known as c.451C>G), located in coding exon 4 of the RINT1 gene, results from a C to G substitution at nucleotide position 451. The glutamine at codon 151 is replaced by glutamic acid, an amino acid with highly similar properties. This amino acid position is conserved. In addition, this alteration is predicted to be tolerated by in silico analysis. Since supporting evidence is limited at this time, the clinical significance of this alteration remains unclear.

NM_021930.6(RINT1):c.451C>G (p.Gln151Glu)

Gene: RINT1 (RAD50 interactor 1; plus strand). Cytogenetic location: 7q22.3.
Variant type: single nucleotide variant.
Coding change: c.451C>G on transcript NM_021930.6 (MANE Select); coding-DNA position 451, C replaced by G.
Protein change: p.Gln151Glu; replaces glutamine 151 with glutamic acid.
Molecular consequence: missense variant. On other transcripts: 5 prime UTR variant (3), non-coding transcript variant (1).
Genome position (GRCh38, 1-based): chr7:105,542,585, C>G. VCF-style: chr7-105542585-C-G. GRCh37 (hg19) VCF-style: chr7-105183032-C-G.
Other names: c.217C>G, p.Gln73Glu (NM_001346599.2); c.-569C>G (NM_001346600.2); c.-472C>G (NM_001346601.2); c.-92C>G (NM_001346603.2); short protein forms Q73E, Q151E.
Identifiers: ClinVar variation 1445117 (VCV001445117.11), dbSNP rs754311490, ClinGen allele CA4426428.